The following is an entry in ClinVar:

NM_000465.4(BARD1):c.1941G>C (p.Gln647His)

Gene: BARD1 (BRCA1 associated RING domain 1; minus strand). Cytogenetic location: 2q35.
Variant type: single nucleotide variant.
Coding change: c.1941G>C on transcript NM_000465.4 (MANE Select); coding-DNA position 1941, G replaced by C.
Protein change: p.Gln647His; replaces glutamine 647 with histidine.
Molecular consequence: missense variant. On other transcripts: non-coding transcript variant (3).
Genome position (GRCh38, 1-based): chr2:214,730,471, C>G on the plus strand (G>C on the coding strand, the complement: BARD1 is on the minus strand). VCF-style: chr2-214730471-C-G. GRCh37 (hg19) VCF-style: chr2-215595195-C-G.
Other names: c.1884G>C, p.Gln628His (NM_001282543.2); c.588G>C, p.Gln196His (NM_001282545.2); c.531G>C, p.Gln177His (NM_001282548.2); c.402G>C, p.Gln134His (NM_001282549.2); short protein forms Q647H, Q134H, Q177H, Q628H, Q196H.
Identifiers: ClinVar variation 4718225 (VCV004718225.1).

ClinVar aggregate classification (germline): Uncertain significance (1 of 4 stars; one submission).

Conditions:
Familial cancer of breast. Also called: hereditary breast carcinoma; BREAST CANCER, FAMILIAL; Hereditary breast cancer. Identifiers: Orphanet 227535, MedGen C0346153, MONDO:0016419, OMIM 114480. Disease mechanism: loss of function.

Submission:

Labcorp Genetics (formerly Invitae), Labcorp
Classification: Uncertain significance for Familial cancer of breast. Last evaluated: 2025-04-28. Review status: criteria provided, single submitter. Criteria: Invitae Variant Classification Sherloc (09022015). Collection method: clinical testing. Allele origin: germline.
Comment: This sequence change replaces glutamine, which is neutral and polar, with histidine, which is basic and polar, at codon 647 of the BARD1 protein (p.Gln647His). This variant is not present in population databases (gnomAD no frequency). This variant has not been reported in the literature in individuals affected with BARD1-related conditions. An algorithm developed to predict the effect of missense changes on protein structure and function (PolyPhen-2) suggests that this variant is likely to be disruptive. In summary, the available evidence is currently insufficient to determine the role of this variant in disease. Therefore, it has been classified as a Variant of Uncertain Significance.